The following is an entry in ClinVar:

ClinVar aggregate classification (germline): Uncertain significance (1 of 4 stars; one submission).

Submission:

GeneDx
Classification: Uncertain significance. Last evaluated: 2022-10-03. Review status: criteria provided, single submitter. Criteria: GeneDx Variant Classification Process June 2021. Collection method: clinical testing. Allele origin: germline. Affected: yes.
Comment: Not observed at significant frequency in large population cohorts (gnomAD); In silico analysis supports that this missense variant does not alter protein structure/function; Has not been previously published as pathogenic or benign to our knowledge

NM_015559.3(SETBP1):c.638A>C (p.Lys213Thr)

Gene: SETBP1 (SET binding protein 1; plus strand). Cytogenetic location: 18q12.3.
Variant type: single nucleotide variant.
Coding change: c.638A>C on transcript NM_015559.3 (MANE Select); coding-DNA position 638, A replaced by C.
Protein change: p.Lys213Thr; replaces lysine 213 with threonine.
Molecular consequence: missense variant.
Genome position (GRCh38, 1-based): chr18:44,949,978, A>C. VCF-style: chr18-44949978-A-C. GRCh37 (hg19) VCF-style: chr18-42529943-A-C.
Other names: c.638A>C, p.Lys213Thr (NM_001379141.1, NM_001379142.1, NM_001410862.1); short protein forms K213T.
Identifiers: ClinVar variation 2446686 (VCV002446686.1), dbSNP rs2511464301, ClinGen allele CA402316505.
Genomic context (GRCh38, chr18:44,949,978, plus strand): 5'-ATGACACGGGCCTCCCACAGGACTTCACCGGTGACACCTTAAAACCAAAGCACCAGCAAA[A>C]AAGCAGCAGCCAGAACCACATGGACTGGTCCACCAACTCTGACAGCGGACCCGTCACTCA-3'
Protein context (NP_056374.2, residues 203-223): GDTLKPKHQQ[Lys213Thr]SSSQNHMDWS